The following is an entry in ClinVar:

ClinVar aggregate classification (germline): Uncertain significance (1 of 4 stars; one submission).

Submission:

GeneDx
Classification: Uncertain significance. Last evaluated: 2022-09-20. Review status: criteria provided, single submitter. Criteria: GeneDx Variant Classification Process June 2021. Collection method: clinical testing. Allele origin: germline. Affected: yes.
Comment: Not observed at significant frequency in large population cohorts (gnomAD); In silico analysis supports that this missense variant does not alter protein structure/function; Has not been previously published as pathogenic or benign to our knowledge

NM_003024.3(ITSN1):c.1355A>G (p.Asn452Ser)

Gene: ITSN1 (intersectin 1; plus strand). Cytogenetic location: 21q22.11.
Variant type: single nucleotide variant.
Coding change: c.1355A>G on transcript NM_003024.3 (MANE Select); coding-DNA position 1355, A replaced by G.
Protein change: p.Asn452Ser; replaces asparagine 452 with serine.
Molecular consequence: missense variant.
Genome position (GRCh38, 1-based): chr21:33,774,778, A>G. VCF-style: chr21-33774778-A-G. GRCh37 (hg19) VCF-style: chr21-35147082-A-G.
Other names: c.1355A>G, p.Asn452Ser (NM_001001132.2, NM_001331008.2, NM_001331009.2 and 2 more transcripts); c.1244A>G, p.Asn415Ser (NM_001331012.2); short protein forms N415S, N452S.
Identifiers: ClinVar variation 2444643 (VCV002444643.1), dbSNP rs2517457403, ClinGen allele CA410123328.